The following is an entry in ClinVar:

NM_001083926.2(ASRGL1):c.602C>T (p.Pro201Leu)

Gene: ASRGL1 (asparaginase and isoaspartyl peptidase 1; plus strand). Cytogenetic location: 11q12.3.
Variant type: single nucleotide variant.
Coding change: c.602C>T on transcript NM_001083926.2 (MANE Select); coding-DNA position 602, C replaced by T.
Protein change: p.Pro201Leu; replaces proline 201 with leucine.
Molecular consequence: missense variant.
Genome position (GRCh38, 1-based): chr11:62,389,243, C>T. VCF-style: chr11-62389243-C-T. GRCh37 (hg19) VCF-style: chr11-62156715-C-T.
Other names: c.602C>T (NM_001083926.1); c.602C>T, p.Pro201Leu (NM_025080.4); short protein forms P201L.
Identifiers: ClinVar variation 1365547 (VCV001365547.9), dbSNP rs761488729, ClinGen allele CA6043250.

ClinVar aggregate classification (germline): Uncertain significance. Review status: criteria provided, multiple submitters, no conflicts (2 of 4 stars). 2 submissions from 2 submitters: Uncertain significance (2). Last evaluated 2025-09-27.

Allele frequency attached by ClinVar (database versions not stated): TOPMed 0.00002; gnomAD exomes 0.00003 and 0.00005; ExAC 0.00005.

Submissions (2):

Ambry Genetics
Classification: Uncertain significance. Last evaluated: 2025-09-27. Review status: criteria provided, single submitter. Criteria: Ambry Variant Classification Scheme 2023. Collection method: clinical testing. Allele origin: germline.

Labcorp Genetics (formerly Invitae), Labcorp
Classification: Uncertain significance. Last evaluated: 2024-10-07. Review status: criteria provided, single submitter. Criteria: Invitae Variant Classification Sherloc (09022015). Collection method: clinical testing. Allele origin: germline.
Comment: This sequence change replaces proline, which is neutral and non-polar, with leucine, which is neutral and non-polar, at codon 201 of the ASRGL1 protein (p.Pro201Leu). This variant is present in population databases (rs761488729, gnomAD 0.02%). This variant has not been reported in the literature in individuals affected with ASRGL1-related conditions. ClinVar contains an entry for this variant (Variation ID: 1365547). An algorithm developed to predict the effect of missense changes on protein structure and function (PolyPhen-2) suggests that this variant is likely to be disruptive. In summary, the available evidence is currently insufficient to determine the role of this variant in disease. Therefore, it has been classified as a Variant of Uncertain Significance.